The following is an entry in ClinVar:

NM_020919.4(ALS2):c.176A>T (p.Asp59Val)

Gene: ALS2 (alsin Rho guanine nucleotide exchange factor ALS2; minus strand). Cytogenetic location: 2q33.1.
Variant type: single nucleotide variant.
Coding change: c.176A>T on transcript NM_020919.4 (MANE Select); coding-DNA position 176, A replaced by T.
Protein change: p.Asp59Val; replaces aspartic acid 59 with valine.
Molecular consequence: missense variant.
Genome position (GRCh38, 1-based): chr2:201,761,818, T>A on the plus strand (A>T on the coding strand, the complement: ALS2 is on the minus strand). VCF-style: chr2-201761818-T-A. GRCh37 (hg19) VCF-style: chr2-202626541-T-A.
Other names: c.176A>T, p.Asp59Val (NM_001135745.2, NM_001410975.1); short protein forms D59V.
Identifiers: ClinVar variation 1805509 (VCV001805509.1), dbSNP rs1008414779, ClinGen allele CA350329424.

ClinVar aggregate classification (germline): Uncertain significance (1 of 4 stars; one submission).

Conditions:
Amyotrophic lateral sclerosis type 2, juvenile. Also called: ALS, JUVENILE; Amyotrophic lateral sclerosis type 2. Identifiers: Orphanet 300605, MedGen C1859807, MONDO:0008780, OMIM 205100.

gnomAD v4.1: 5 of 1,611,854 alleles (0.00031%); highest among the groups gnomAD compares: Non-Finnish European, 0.00034%; no homozygotes.

Submission:

Victorian Clinical Genetics Services, Murdoch Childrens Research Institute
Classification: Uncertain significance for Amyotrophic lateral sclerosis type 2, juvenile. Last evaluated: 2019-08-28. Review status: criteria provided, single submitter. Criteria: ACMG Guidelines, 2015. Collection method: clinical testing. Allele origin: germline. Inheritance: Autosomal recessive inheritance. Affected: yes.
Comment: A heterozygous missense variant was identified, NM_020919.3(ALS2):c.176A>T in exon 4 of 34 of the ALS2 gene. This substitution is predicted to create a major amino acid change from aspartic acid to valine at position 59 of the protein, NP_065970.2(ALS2):p.(Asp59Val), or to cause a splice site change leading to aberrant splicing. Further testing via RNA studies are required to confirm if splicing is altered. The aspartic acid at this position has low conservation (100 vertebrates, UCSC), and is situated in the ATS1 superfamily domain. In silico software predictions of the pathogenicity of the missense variant are conflicting (Polyphen, SIFT, CADD, Mutation Taster). The nucleotide at this position has high conservation (PhyloP UCSC), however, in silico splice site prediction software does not predict the variant to cause aberrant splicing (NetGene2, Fruit fly). The variant is not present in the gnomAD population database, and has not been previously observed in clinical cases. Based on information available at the time of curation, this variant has been classified as a VARIANT of UNKNOWN SIGNIFICANCE (VUS).